The following is an entry in ClinVar:

NM_001776.6(ENTPD1):c.861T>A (p.Tyr287Ter)

Genes: ENTPD1 (ectonucleoside triphosphate diphosphohydrolase 1; plus strand), ENTPD1-AS1 (ENTPD1 antisense RNA 1; minus strand). Cytogenetic location: 10q24.1.
Variant type: single nucleotide variant.
Coding change: c.861T>A on transcript NM_001776.6 (MANE Select); coding-DNA position 861, T replaced by A.
Protein change: p.Tyr287Ter; replaces tyrosine 287 with a stop codon.
Molecular consequence: nonsense. On other transcripts: intron variant (1).
Genome position (GRCh38, 1-based): chr10:95,847,493, T>A. VCF-style: chr10-95847493-T-A. GRCh37 (hg19) VCF-style: chr10-97607250-T-A.
Other names: c.882T>A, p.Tyr294Ter (NM_001098175.2); c.897T>A, p.Tyr299Ter (NM_001164178.1, NM_001320916.1); c.537T>A, p.Tyr179Ter (NM_001164181.1, NM_001312654.1); c.447T>A, p.Tyr149Ter (NM_001164182.2, NM_001164183.2); c.814-76T>A (NM_001164179.2); short protein forms Y287*, Y294*, Y179*, Y149*, Y299*.
Identifiers: ClinVar variation 2784423 (VCV002784423.4), dbSNP rs2494454909, ClinGen allele CA377823592.

ClinVar aggregate classification (germline): Pathogenic. Review status: criteria provided, multiple submitters, no conflicts (2 of 4 stars). 2 submissions from 2 submitters: Pathogenic (2). Last evaluated 2025-10-01.

Conditions:
Hereditary spastic paraplegia 64. Also called: Spastic paraplegia 64, autosomal recessive; ENTPD1-Related Neurodevelopmental Disorder. Identifiers: Orphanet 401810, MedGen C3810289, MONDO:0014303, OMIM 615683.

Submissions (2):

Labcorp Genetics (formerly Invitae), Labcorp
Classification: Pathogenic for Hereditary spastic paraplegia 64. Last evaluated: 2025-10-01. Review status: criteria provided, single submitter. Criteria: Invitae Variant Classification Sherloc (09022015). Collection method: clinical testing. Allele origin: germline.
Comment: This sequence change creates a premature translational stop signal (p.Tyr287*) in the ENTPD1 gene. It is expected to result in an absent or disrupted protein product. Loss-of-function variants in ENTPD1 are known to be pathogenic (PMID: 24482476, 29691679). This variant is not present in population databases (gnomAD no frequency). This variant has not been reported in the literature in individuals affected with ENTPD1-related conditions. ClinVar contains an entry for this variant (Variation ID: 2784423). Algorithms developed to predict the effect of sequence changes on RNA splicing suggest that this variant may disrupt the consensus splice site. For these reasons, this variant has been classified as Pathogenic.

GeneDx
Classification: Pathogenic. Last evaluated: 2024-06-02. Review status: criteria provided, single submitter. Criteria: GeneDx Variant Classification Process June 2021. Collection method: clinical testing. Allele origin: germline. Affected: yes.
Comment: Nonsense variant predicted to result in protein truncation or nonsense mediated decay in a gene for which loss of function is a known mechanism of disease; Not observed at significant frequency in large population cohorts (gnomAD); Has not been previously published as pathogenic or benign to our knowledge; This variant is associated with the following publications: (PMID: 24482476, 29691679)

Literature cited by the submitters: PubMed 24482476 (cited by Labcorp Genetics (formerly Invitae), Labcorp); PubMed 29691679 (cited by Labcorp Genetics (formerly Invitae), Labcorp).